The following is an entry in ClinVar:

ClinVar aggregate classification (germline): Uncertain significance (1 of 4 stars; one submission).

Submission:

Labcorp Genetics (formerly Invitae), Labcorp
Classification: Uncertain significance. Last evaluated: 2025-04-23. Review status: criteria provided, single submitter. Criteria: Invitae Variant Classification Sherloc (09022015). Collection method: clinical testing. Allele origin: germline.
Comment: This sequence change falls in intron 12 of the COL9A3 gene. It does not directly change the encoded amino acid sequence of the COL9A3 protein. It affects a nucleotide within the consensus splice site. This variant is not present in population databases (gnomAD no frequency). This variant has not been reported in the literature in individuals affected with COL9A3-related conditions. Variants that disrupt the consensus splice site are a relatively common cause of aberrant splicing (PMID: 17576681, 9536098). Experimental studies and prediction algorithms are not available or were not evaluated, and the effect of this variant on mRNA splicing is currently unknown. In summary, the available evidence is currently insufficient to determine the role of this variant in disease. Therefore, it has been classified as a Variant of Uncertain Significance.

Literature cited by the submitters: PubMed 17576681; PubMed 9536098.

NM_001853.4(COL9A3):c.625_630+3dup

Gene: COL9A3 (collagen type IX alpha 3 chain; plus strand). Cytogenetic location: 20q13.33.
Variant type: Duplication.
Coding change: c.625_630+3dup on transcript NM_001853.4 (MANE Select); coding-DNA position 625 through 3 bases into the intron after coding-DNA position 630, 9 bases duplicated (GAGAAGGTG; older notation c.625_630+3dupGAGAAGGTG).
Molecular consequence: splice donor variant.
Genome position (GRCh38, 1-based): chr20:62,825,016-62,825,024, GAGAAGGTG duplicated. VCF-style (leftmost placement, unchanged base first): chr20-62825015-C-CGAGAAGGTG. GRCh37 (hg19) VCF-style: chr20-61456367-C-CGAGAAGGTG.
Identifiers: ClinVar variation 4767856 (VCV004767856.1).